The following is an entry in ClinVar:

NM_001105206.3(LAMA4):c.1078-14C>T

Gene: LAMA4 (laminin subunit alpha 4; minus strand). Cytogenetic location: 6q21.
Variant type: single nucleotide variant.
Coding change: c.1078-14C>T on transcript NM_001105206.3 (MANE Select); 14 bases into the intron before coding-DNA position 1078, C replaced by T.
Molecular consequence: intron variant.
Genome position (GRCh38, 1-based): chr6:112,178,246, G>A on the plus strand (C>T on the coding strand, the complement: LAMA4 is on the minus strand). VCF-style: chr6-112178246-G-A. GRCh37 (hg19) VCF-style: chr6-112499448-G-A.
Other names: c.1057-14C>T (NM_002290.5, NM_001105207.3).
Identifiers: ClinVar variation 44338 (VCV000044338.13), dbSNP rs397516714, ClinGen allele CA133999.
Genomic context (GRCh38, chr6:112,178,246, plus strand): 5'-ATGCTTTCCTTCTGAACAAGTTGTCCTTTTCTGGAGGCTTGATTTTCCTACAAATAATCC[G>A]TATAAAGGCTAGATTAAATGTATGAGAAAAGAATGTTGTATAAGCACAGATAGGGGTGGG-3'

ClinVar aggregate classification (germline): Conflicting classifications of pathogenicity. Review status: criteria provided, conflicting classifications (1 of 4 stars). 3 submissions from 3 submitters: Uncertain significance (1); Benign (1); Likely benign (1). Last evaluated 2025-05-21.

Conditions:
Dilated cardiomyopathy 1JJ (CMD1JJ). Identifiers: Orphanet 154, MedGen C3808935, MONDO:0014095, OMIM 615235.

Allele frequency attached by ClinVar (database versions not stated): gnomAD 0.00001 and 0.00023; TOPMed 0.00005; gnomAD exomes 0.00033 and 0.00062; ExAC 0.00079; 1000 Genomes Project 0.00200; 1000 Genomes Project 30x 0.00219.
gnomAD v4.1: 498 of 1,559,658 alleles (0.032%); highest among the groups gnomAD compares: South Asian, 0.51%; 2 homozygotes.

Submissions (3):

Labcorp Genetics (formerly Invitae), Labcorp
Classification: Benign for Dilated cardiomyopathy 1JJ. Last evaluated: 2025-05-21. Review status: criteria provided, single submitter. Criteria: Invitae Variant Classification Sherloc (09022015). Collection method: clinical testing. Allele origin: germline.

Blueprint Genetics
Classification: Likely benign. Last evaluated: 2024-07-09. Review status: criteria provided, single submitter. Criteria: ACMG Guidelines, 2015. Collection method: clinical testing. Allele origin: germline.

Laboratory for Molecular Medicine, Mass General Brigham Personalized Medicine
Classification: Uncertain significance. Last evaluated: 2013-06-07. Review status: criteria provided, single submitter. Criteria: LMM Criteria. Collection method: clinical testing. Allele origin: germline. Observed: 2 variant alleles.
Comment: This variant is located in the 3' splice region. Compu tational tools do not suggest an impact to splicing, though this information is not predictive enough to rule out pathogenicity. In summary, the location of thi s variant suggests that it is likely benign, but additional studies are needed t o fully assess its clinical significance.